The following is an entry in ClinVar:

NM_001005242.3(PKP2):c.1445C>T (p.Thr482Met)

Gene: PKP2 (plakophilin 2; minus strand). Cytogenetic location: 12p11.21.
Variant type: single nucleotide variant.
Coding change: c.1445C>T on transcript NM_001005242.3 (MANE Select); coding-DNA position 1445, C replaced by T.
Protein change: p.Thr482Met; replaces threonine 482 with methionine.
Molecular consequence: missense variant.
Genome position (GRCh38, 1-based): chr12:32,841,139, G>A on the plus strand (C>T on the coding strand, the complement: PKP2 is on the minus strand). VCF-style: chr12-32841139-G-A. GRCh37 (hg19) VCF-style: chr12-32994073-G-A.
Other names: c.1577C>T, p.Thr526Met (NM_004572.4); short protein forms T526M, T482M.
Identifiers: ClinVar variation 45033 (VCV000045033.86), dbSNP rs146882581, ClinGen allele CA010636.

ClinVar aggregate classification (germline): Conflicting classifications of pathogenicity. Review status: criteria provided, conflicting classifications (1 of 4 stars). 25 submissions from 25 submitters: Uncertain significance (1); Benign (8); Likely benign (13). 3 of the submissions do not count toward it. Last evaluated 2026-10-01.

Conditions:
Brugada syndrome. Also called: Sudden Unexplained Death Syndrome; Sudden Unexplained Nocturnal Death Syndrome (SUNDS); Sudden unexpected nocturnal death syndrome; Sudden unexplained nocturnal death syndrome. Identifiers: Orphanet 130, MedGen C1142166, MONDO:0015263.
Premature ventricular contraction. Also called: Ventricular extrasystoles. Identifiers: MedGen C0151636, HP:0006682.
Cardiovascular phenotype. Identifiers: MedGen CN230736.
Familial isolated arrhythmogenic right ventricular dysplasia. Identifiers: Orphanet 217656, MedGen C4274968, MONDO:0016342.
Arrhythmogenic right ventricular cardiomyopathy (ARVD). Also called: Arrhythmogenic Right Ventricular Cardiomyopathy (ARVC); Cardiomyopathy, ARVC; Arrhythmogenic right ventricular dysplasia; Arrhythmogenic cardiomyopathy. Identifiers: Orphanet 247, MedGen C0349788, MeSH D019571, MONDO:0016587. Disease mechanism: loss of function. Inheritance: Various modes of inheritance.
Cardiomyopathy (CMYO). Also called: Cardiomyopathies. Identifiers: Orphanet 167848, MedGen C0878544, MONDO:0004994, HP:0001638. Inheritance: Various modes of inheritance.
Long QT syndrome (LQTS). Identifiers: MedGen C0023976, MeSH D008133, MONDO:0002442. Disease mechanism: loss of function. Inheritance: Various modes of inheritance.
Arrhythmogenic right ventricular dysplasia 9 (ARVD9). Also called: Arrhythmogenic Right Ventricular Dysplasia/Cardiomyopathy 9; ARRHYTHMOGENIC RIGHT VENTRICULAR DYSPLASIA, FAMILIAL, 9. Identifiers: MedGen C1836906, MONDO:0012180, OMIM 609040.

Allele frequency attached by ClinVar (database versions not stated): gnomAD exomes 0.00245 and 0.00262; ESP Exome Variant Server 0.00369; ExAC 0.00230; 1000 Genomes Project 0.00379; gnomAD 0.00396 and 0.00386; 1000 Genomes Project 30x 0.00437; TOPMed 0.00430.
gnomAD v4.1: 4,434 of 1,612,778 alleles (0.27%); highest among the groups gnomAD compares: Admixed American, 0.68%; 10 homozygotes.

Submissions 1 to 18 of 25:

CeGaT Center for Human Genetics Tuebingen
Classification: Likely benign. Last evaluated: 2026-10-01. Review status: criteria provided, single submitter. Criteria: CeGaT Center For Human Genetics Tuebingen Variant Classification Criteria Version 2. Collection method: clinical testing. Allele origin: germline. Affected: yes. Observed: 12 variant alleles.
Comment: PKP2: PM5, BP4, BS1

Labcorp Genetics (formerly Invitae), Labcorp
Classification: Benign for Arrhythmogenic right ventricular dysplasia 9. Last evaluated: 2026-02-04. Review status: criteria provided, single submitter. Criteria: Invitae Variant Classification Sherloc (09022015). Collection method: clinical testing. Allele origin: germline.

ARUP Laboratories, Molecular Genetics and Genomics, ARUP Laboratories
Classification: Benign for Arrhythmogenic right ventricular dysplasia 9. Last evaluated: 2025-07-08. Review status: criteria provided, single submitter. Criteria: ARUP Molecular Germline Variant Investigation Process 2024. Collection method: clinical testing. Allele origin: germline.

Blueprint Genetics
Classification: Likely benign. Last evaluated: 2024-11-20. Review status: criteria provided, single submitter. Criteria: ACMG Guidelines, 2015. Collection method: clinical testing. Allele origin: germline.

All of Us Research Program, National Institutes of Health
Classification: Likely benign for Arrhythmogenic right ventricular cardiomyopathy. Last evaluated: 2024-09-27. Review status: criteria provided, single submitter. Criteria: ACMG Guidelines, 2015. Collection method: clinical testing. Allele origin: germline. Inheritance: Autosomal dominant inheritance. Observed: 851 variant alleles, 846 heterozygotes, 4 homozygotes, 1 hemizygote.
Comment: This study involves interpretation of variants in research participants for the purpose of population health screening. Participant phenotype was not available at the time of variant classification. Additional details can be found in publication PMID: 35346344, PMCID: PMC8962531

Dept of Medical Biology, Uskudar University
Classification: Likely benign for Long QT syndrome. Last evaluated: 2024-01-08. Review status: criteria provided, single submitter. Criteria: Dept of Medical Biology Variant Classification. Collection method: research. Allele origin: maternal. Affected: yes. Observed: 1 variant allele.
Comment: Criteria: BS1, BP4

Mendelics
Classification: Benign for Arrhythmogenic right ventricular dysplasia 9. Last evaluated: 2019-05-28. Review status: criteria provided, single submitter. Criteria: Mendelics Assertion Criteria 2017. Collection method: clinical testing. Allele origin: unknown.

Center for Advanced Laboratory Medicine, UC San Diego Health, University of California San Diego
Classification: Benign for Premature ventricular contraction; Brugada syndrome. Last evaluated: 2019-01-10. Review status: criteria provided, single submitter. Criteria: ACMG Guidelines, 2015. Collection method: clinical testing. Allele origin: germline. Affected: yes. Observed: 2 variant alleles.

GeneDx
Classification: Benign. Last evaluated: 2018-12-11. Review status: criteria provided, single submitter. Criteria: GeneDx Variant Classification Process June 2021. Collection method: clinical testing. Allele origin: germline. Affected: yes.
Comment: This variant is associated with the following publications: (PMID: 26332594, 27153395, 26764160, 21636032, 25637381, 23299917)

Ambry Genetics
Classification: Likely benign for Cardiovascular phenotype. Last evaluated: 2018-09-27. Review status: criteria provided, single submitter. Criteria: Ambry Variant Classification Scheme 2023. Collection method: clinical testing. Allele origin: germline.

Women's Health and Genetics/Laboratory Corporation of America, LabCorp
Classification: Likely benign. Last evaluated: 2018-06-04. Review status: criteria provided, single submitter. Criteria: LabCorp Variant Classification Summary - May 2015. Collection method: clinical testing. Allele origin: germline.
Comment: Variant summary: PKP2 c.1577C>T (p.Thr526Met) results in a non-conservative amino acid change located in the Armadillo-type fold (IPR016024) of the encoded protein sequence. Four of five in-silico tools predict a benign effect of the variant on protein function. The variant allele was found at a frequency of 0.0024 in 278492 control chromosomes in the gnomAD database, including 4 homozygotes. The observed variant frequency is approximately 5.7 fold of the estimated maximal expected allele frequency for a pathogenic variant in PKP2 causing Arrhythmia phenotype (0.00043), strongly suggesting that the variant is benign. c.1577C>T has been reported in the literature in individuals affected with Arrhythmia. These data do not allow any conclusion about variant significance. Co-occurrences with other pathogenic variant(s) have been reported (PKP2, p.L452*; DSP c.969_974delAAAAGA, p.E324_K325del; DES c.359C>A, p.A120D), providing supporting evidence for a benign role. (Rasmussen 2014, Rasmussen 2013, Brodehl 2013). These authors proposed that the variant of interest might modify the phenotype of other pathogenic variants (Rasmussen 2013) although no conclusive evidence supporting this notion has been published. Six clinical diagnostic laboratories have submitted clinical-significance assessments for this variant to ClinVar after 2014 without evidence for independent evaluation, and classified the variant as benign (1x), likely benign (4x) or VUS (1x). Based on the evidence outlined above, the variant was classified as likely benign.

Color Diagnostics, LLC DBA Color Health
Classification: Likely benign for Cardiomyopathy. Last evaluated: 2018-03-08. Review status: criteria provided, single submitter. Criteria: ACMG Guidelines, 2015. Collection method: clinical testing. Allele origin: germline.

Illumina Laboratory Services, Illumina
Classification: Likely benign for Arrhythmogenic right ventricular dysplasia 9. Last evaluated: 2018-01-26. Review status: criteria provided, single submitter. Criteria: ICSL Variant Classification Criteria 13 December 2019. Collection method: clinical testing. Allele origin: germline.
Comment: This variant was observed as part of a predisposition screen in an ostensibly healthy population. A literature search was performed for the gene, cDNA change, and amino acid change (where applicable). Publications were found based on this search. The evidence from the literature, in combination with allele frequency data from public databases where available, was sufficient to determine this variant is unlikely to cause disease. Therefore, this variant is classified as likely benign.

CHEO Genetics Diagnostic Laboratory, Children's Hospital of Eastern Ontario
Classification: Benign for Cardiomyopathy. Last evaluated: 2017-12-28. Review status: criteria provided, single submitter. Criteria: ACMG Guidelines, 2015. Collection method: clinical testing. Allele origin: germline.

Institute for Genomic Medicine (IGM) Clinical Laboratory, Nationwide Children's Hospital
Classification: Likely benign. Last evaluated: 2017-08-14. Review status: criteria provided, single submitter. Criteria: ACMG Guidelines, 2015. Collection method: clinical testing. Allele origin: germline.
Comment: BS1, BP4, BP6; This alteration has an allele frequency that is greater than expected for the associated disease, is predicted to be tolerated by multiple functional prediction tools, and was reported as a benign/likely benign alteration by a reputable source (ClinVar or other correspondence from a clinical testing laboratory).

Mayo Clinic Laboratories, Mayo Clinic
Classification: Benign. Last evaluated: 2017-07-18. Review status: criteria provided, single submitter. Criteria: ACMG Guidelines, 2015. Collection method: clinical testing. Allele origin: germline. Observed: 7 variant alleles.

Molecular Diagnostic Laboratory for Inherited Cardiovascular Disease, Montreal Heart Institute
Classification: Likely benign. Last evaluated: 2016-10-18. Review status: criteria provided, single submitter. Criteria: ACMG Guidelines, 2015. Collection method: clinical testing. Allele origin: germline. Affected: yes.

Genomic Diagnostic Laboratory, Division of Genomic Diagnostics, Children's Hospital of Philadelphia
Classification: Uncertain significance for Arrhythmogenic right ventricular cardiomyopathy. Last evaluated: 2015-10-20. Review status: criteria provided, single submitter. Criteria: DGD Variant Analysis Guidelines. Collection method: clinical testing. Allele origin: unknown.